The following is an entry in ClinVar:

NM_001367624.2(ZNF469):c.1893C>T (p.Pro631=)

Gene: ZNF469 (zinc finger protein 469; plus strand). Cytogenetic location: 16q24.2.
Variant type: single nucleotide variant.
Coding change: c.1893C>T on transcript NM_001367624.2 (MANE Select); coding-DNA position 1893, C replaced by T.
Protein change: p.Pro631=; no amino-acid change (proline 631 retained).
Molecular consequence: synonymous variant.
Genome position (GRCh38, 1-based): chr16:88,429,363, C>T. VCF-style: chr16-88429363-C-T. GRCh37 (hg19) VCF-style: chr16-88495771-C-T.
Other names: p.Pro631=.
Identifiers: ClinVar variation 2957292 (VCV002957292.4), dbSNP rs925903980, ClinGen allele CA286373165.

ClinVar aggregate classification (germline): Likely benign. Review status: criteria provided, multiple submitters, no conflicts (2 of 4 stars). 2 submissions from 2 submitters: Likely benign (2). Last evaluated 2025-08-05.

Allele frequency attached by ClinVar (database versions not stated): gnomAD exomes below 0.00001; gnomAD 0.00002; TOPMed 0.00004.
gnomAD v4.1: 9 of 1,549,702 alleles (0.00058%); highest among the groups gnomAD compares: Admixed American, 0.018%; no homozygotes.

Submissions (2):

Mayo Clinic Laboratories, Mayo Clinic
Classification: Likely benign. Last evaluated: 2025-08-05. Review status: criteria provided, single submitter. Criteria: ACMG Guidelines, 2015. Collection method: clinical testing. Allele origin: germline. Observed: 1 variant allele.
Comment: BP4, BP7

Labcorp Genetics (formerly Invitae), Labcorp
Classification: Likely benign. Last evaluated: 2025-07-14. Review status: criteria provided, single submitter. Criteria: Invitae Variant Classification Sherloc (09022015). Collection method: clinical testing. Allele origin: germline.